The following is an entry in ClinVar:

NM_002968.3(SALL1):c.3573ACG[3] (p.Arg1193_Gly1194insArg)

Gene: SALL1 (spalt like transcription factor 1; minus strand). Cytogenetic location: 16q12.1.
Variant type: Microsatellite.
Coding change: c.3573ACG[3] on transcript NM_002968.3 (MANE Select); three copies in a row of the 3-base unit ACG starting at c.3573; the reference has two copies in a row; one copy, 3 bases duplicated.
Protein change: p.Arg1193_Gly1194insArg.
Genome position (GRCh38, 1-based): chr16:51,137,509-51,137,511, CGT duplicated on the plus strand (ACG on the coding strand, the reverse complement: SALL1 is on the minus strand); duplicating any 3 consecutive bases within chr16:51,137,509-51,137,514 gives the same sequence; the position shown is the placement nearest the transcript's 3' end. VCF-style (leftmost placement, unchanged base first): chr16-51137508-C-CCGT. GRCh37 (hg19) VCF-style: chr16-51171419-C-CCGT.
Other names: c.3282ACG[3], p.Arg1096_Gly1097insArg (NM_001127892.2).
Identifiers: ClinVar variation 4760504 (VCV004760504.1).

ClinVar aggregate classification (germline): Uncertain significance (1 of 4 stars; one submission).

Conditions:
Townes syndrome (TBS). Also called: Townes-Brocks syndrome. Identifiers: Orphanet 857, MedGen C0265246, MeSH C536974, MONDO:0007142.

Submission:

Labcorp Genetics (formerly Invitae), Labcorp
Classification: Uncertain significance for Townes syndrome. Last evaluated: 2025-02-15. Review status: criteria provided, single submitter. Criteria: Invitae Variant Classification Sherloc (09022015). Collection method: clinical testing. Allele origin: germline.
Comment: This variant, c.3576_3578dup, results in the insertion of 1 amino acid(s) of the SALL1 protein (p.Arg1193dup), but otherwise preserves the integrity of the reading frame. This variant is not present in population databases (gnomAD no frequency). This variant has not been reported in the literature in individuals affected with SALL1-related conditions. In summary, the available evidence is currently insufficient to determine the role of this variant in disease. Therefore, it has been classified as a Variant of Uncertain Significance.